The following is an entry in ClinVar:

NM_018255.4(ELP2):c.1714del (p.Cys572fs)

Gene: ELP2 (elongator acetyltransferase complex subunit 2; plus strand). Cytogenetic location: 18q12.2.
Variant type: Deletion.
Coding change: c.1714del on transcript NM_018255.4 (MANE Select); coding-DNA position 1714, one base deleted (T; older notation c.1714delT).
Protein change: p.Cys572fs; shifts the reading frame from cysteine 572.
Molecular consequence: frameshift variant. On other transcripts: non-coding transcript variant (4).
Genome position (GRCh38, 1-based): chr18:36,160,957, T deleted; the last of 4 consecutive T bases (chr18:36,160,954-36,160,957); deleting any one gives the same sequence. VCF-style (leftmost placement, unchanged base first): chr18-36160953-AT-A. GRCh37 (hg19) VCF-style: chr18-33740916-AT-A.
Other names: c.1909del (NM_001242875.1); c.1909del, p.Cys637fs (NM_001242875.3); c.1699del, p.Cys567fs (NM_001242876.3); c.1636del, p.Cys546fs (NM_001242877.3); c.1504del, p.Cys502fs (NM_001242878.3, NM_001242879.3); c.1582del, p.Cys528fs (NM_001324465.2); c.1831del, p.Cys611fs (NM_001324466.2); c.1564del, p.Cys522fs (NM_001324467.2); and 1 more; short protein forms C522fs, C423fs, C502fs, C567fs, C572fs, C637fs, C528fs, C546fs.
Identifiers: ClinVar variation 624108 (VCV000624108.44), dbSNP rs1283454201, ClinGen allele CA778805458.

ClinVar aggregate classification (germline): Likely pathogenic. Review status: criteria provided, multiple submitters, no conflicts (2 of 4 stars). 2 submissions from 2 submitters: Likely pathogenic (2). Last evaluated 2026-01-15.

Submissions (2):

GeneDx
Classification: Likely pathogenic. Last evaluated: 2026-01-15. Review status: criteria provided, single submitter. Criteria: GeneDx Variant Classification Process June 2021. Collection method: clinical testing. Allele origin: germline.
Comment: Frameshift variant predicted to result in protein truncation or nonsense mediated decay in a gene for which loss of function is a known mechanism of disease; Not observed at significant frequency in large population cohorts (gnomAD); Has not been previously published as pathogenic or benign to our knowledge

CeGaT Center for Human Genetics Tuebingen
Classification: Likely pathogenic. Last evaluated: 2018-06-01. Review status: criteria provided, single submitter. Criteria: CeGaT Center For Human Genetics Tuebingen Variant Classification Criteria Version 2. Collection method: clinical testing. Allele origin: germline. Affected: yes. Observed: 1 variant allele.